The following is an entry in ClinVar:

ClinVar aggregate classification (germline): Uncertain significance (1 of 4 stars; one submission).

Allele frequency attached by ClinVar (database versions not stated): ExAC 0.00001; TOPMed 0.00001; gnomAD 0.00002; gnomAD exomes 0.00002; 1000 Genomes Project 30x 0.00016; 1000 Genomes Project 0.00020.
gnomAD v4.1: 25 of 1,612,524 alleles (0.0016%); highest among the groups gnomAD compares: Admixed American, 0.0033%; no homozygotes.

Submission:

Labcorp Genetics (formerly Invitae), Labcorp
Classification: Uncertain significance. Last evaluated: 2025-01-23. Review status: criteria provided, single submitter. Criteria: Invitae Variant Classification Sherloc (09022015). Collection method: clinical testing. Allele origin: germline.
Comment: This sequence change replaces glycine, which is neutral and non-polar, with serine, which is neutral and polar, at codon 235 of the NIN protein (p.Gly235Ser). This variant is present in population databases (rs545334326, gnomAD 0.007%). This variant has not been reported in the literature in individuals affected with NIN-related conditions. ClinVar contains an entry for this variant (Variation ID: 1904802). An algorithm developed to predict the effect of missense changes on protein structure and function (PolyPhen-2) suggests that this variant is likely to be disruptive. In summary, the available evidence is currently insufficient to determine the role of this variant in disease. Therefore, it has been classified as a Variant of Uncertain Significance.

NM_020921.4(NIN):c.703G>A (p.Gly235Ser)

Gene: NIN (ninein; minus strand). Cytogenetic location: 14q22.1.
Variant type: single nucleotide variant.
Coding change: c.703G>A on transcript NM_020921.4 (MANE Select); coding-DNA position 703, G replaced by A.
Protein change: p.Gly235Ser; replaces glycine 235 with serine.
Molecular consequence: missense variant.
Genome position (GRCh38, 1-based): chr14:50,773,059, C>T on the plus strand (G>A on the coding strand, the complement: NIN is on the minus strand). VCF-style: chr14-50773059-C-T. GRCh37 (hg19) VCF-style: chr14-51239777-C-T.
Other names: c.703G>A, p.Gly235Ser (NM_016350.5, NM_182944.3, NM_182946.2); short protein forms G235S.
Identifiers: ClinVar variation 1904802 (VCV001904802.5), dbSNP rs545334326, ClinGen allele CA7182371.
Genomic context (GRCh38, chr14:50,773,059, plus strand): 5'-GTGTAAGAGATTTTCCATTTTTAAACAAACCATAGAAAAAATCTTCTACACTCATTGTAC[C>T]GTCAGGATCAAGATTATGGAATACTTCCTCGAGCATCTAGAAAAGAGTCATCACATATTT-3'
Protein context (NP_065972.4, residues 225-245): EEVFHNLDPD[Gly235Ser]TMSVEDFFYG